The following is an entry in ClinVar:

NM_001165963.4(SCN1A):c.1663-278C>T

Gene: SCN1A (sodium voltage-gated channel alpha subunit 1; minus strand). Cytogenetic location: 2q24.3.
Variant type: single nucleotide variant.
Coding change: c.1663-278C>T on transcript NM_001165963.4 (MANE Select); 278 bases into the intron before coding-DNA position 1663, C replaced by T.
Molecular consequence: intron variant.
Genome position (GRCh38, 1-based): chr2:166,044,327, G>A on the plus strand (C>T on the coding strand, the complement: SCN1A is on the minus strand). VCF-style: chr2-166044327-G-A. GRCh37 (hg19) VCF-style: chr2-166900837-G-A.
Other names: c.1663-278C>T (NM_001353949.2, NM_001353958.2, NM_001353950.2 and 7 more transcripts); c.1660-278C>T (NM_001353955.2, NM_001353960.2, NM_001353954.2); c.-763-278C>T (NM_001353961.2).
Identifiers: ClinVar variation 671197 (VCV000671197.1), dbSNP rs115015575, ClinGen allele CA59794292.
Genomic context (GRCh38, chr2:166,044,327, plus strand): 5'-TAGATTGCAACCTTAACATATTGAAACACACACACACACACATACACACACACCCTGAAC[G>A]ACCATTTCTCAAGTTCAAAGGGAAACATCCTTAGAATATGGCAATGGACGTGGTAAACAT-3'

ClinVar aggregate classification (germline): Likely benign (1 of 4 stars; one submission).

Allele frequency attached by ClinVar (database versions not stated): 1000 Genomes Project 0.02037; 1000 Genomes Project 30x 0.02155; gnomAD 0.02857 and 0.02948; TOPMed 0.03154.
gnomAD v4.1: 4,397 of 151,920 alleles (2.9%); highest among the groups gnomAD compares: Middle Eastern, 8.2%; 89 homozygotes.

Submission:

GeneDx
Classification: Likely benign. Last evaluated: 2018-06-14. Review status: criteria provided, single submitter. Criteria: GeneDx Variant Classification (06012015). Collection method: clinical testing. Allele origin: germline. Affected: yes.
Comment: This variant is considered likely benign or benign based on one or more of the following criteria: it is a conservative change, it occurs at a poorly conserved position in the protein, it is predicted to be benign by multiple in silico algorithms, and/or has population frequency not consistent with disease.